The following is an entry in ClinVar:

ClinVar aggregate classification (germline): Uncertain significance (1 of 4 stars; one submission).

Submission:

Labcorp Genetics (formerly Invitae), Labcorp
Classification: Uncertain significance. Last evaluated: 2023-05-05. Review status: criteria provided, single submitter. Criteria: Invitae Variant Classification Sherloc (09022015). Collection method: clinical testing. Allele origin: germline.
Comment: In summary, the available evidence is currently insufficient to determine the role of this variant in disease. Therefore, it has been classified as a Variant of Uncertain Significance. Variants that disrupt the consensus splice site are a relatively common cause of aberrant splicing (PMID: 17576681, 9536098). Algorithms developed to predict the effect of sequence changes on RNA splicing suggest that this variant is not likely to affect RNA splicing. This variant has not been reported in the literature in individuals affected with POLE-related conditions. This variant is not present in population databases (gnomAD no frequency). This sequence change falls in intron 33 of the POLE gene. It does not directly change the encoded amino acid sequence of the POLE protein. It affects a nucleotide within the consensus splice site.

Literature cited by the submitters: PubMed 17576681; PubMed 9536098.

NM_006231.4(POLE):c.4290+4del

Gene: POLE (DNA polymerase epsilon, catalytic subunit; minus strand). Cytogenetic location: 12q24.33.
Variant type: Deletion.
Coding change: c.4290+4del on transcript NM_006231.4 (MANE Select); 4 bases into the intron after coding-DNA position 4290, one base deleted (A; older notation c.4290+4delA).
Molecular consequence: intron variant.
Genome position (GRCh38, 1-based): chr12:132,643,833, T deleted on the plus strand (A on the coding strand, the reverse complement: POLE is on the minus strand). VCF-style (leftmost placement, unchanged base first): chr12-132643832-GT-G. GRCh37 (hg19) VCF-style: chr12-133220418-GT-G.
Identifiers: ClinVar variation 2862129 (VCV002862129.3), dbSNP rs2541899226, ClinGen allele CA2739277364.